The following is an entry in ClinVar:

ClinVar aggregate classification (germline): Uncertain significance (1 of 4 stars; one submission).

Conditions:
Progressive myoclonic epilepsy. Also called: Familial progressive myoclonic epilepsy; Progressive myoclonus epilepsy; Myoclonus epilepsy; Myoclonic Epilepsies, Progressive. Identifiers: Orphanet 308, Orphanet 98261, MedGen C0751778, MONDO:0020074.

Submission:

Labcorp Genetics (formerly Invitae), Labcorp
Classification: Uncertain significance for Progressive myoclonic epilepsy. Last evaluated: 2025-06-12. Review status: criteria provided, single submitter. Criteria: Invitae Variant Classification Sherloc (09022015). Collection method: clinical testing. Allele origin: germline.
Comment: This sequence change replaces leucine, which is neutral and non-polar, with serine, which is neutral and polar, at codon 176 of the SCARB2 protein (p.Leu176Ser). This variant is not present in population databases (gnomAD no frequency). This variant has not been reported in the literature in individuals affected with SCARB2-related conditions. ClinVar contains an entry for this variant (Variation ID: 1715535). Invitae Evidence Modeling of protein sequence and biophysical properties (such as structural, functional, and spatial information, amino acid conservation, physicochemical variation, residue mobility, and thermodynamic stability) indicates that this missense variant is expected to disrupt SCARB2 protein function with a positive predictive value of 80%. In summary, the available evidence is currently insufficient to determine the role of this variant in disease. Therefore, it has been classified as a Variant of Uncertain Significance.

NM_005506.4(SCARB2):c.527T>C (p.Leu176Ser)

Gene: SCARB2 (scavenger receptor class B member 2; minus strand). Cytogenetic location: 4q21.1.
Variant type: single nucleotide variant.
Coding change: c.527T>C on transcript NM_005506.4 (MANE Select); coding-DNA position 527, T replaced by C.
Protein change: p.Leu176Ser; replaces leucine 176 with serine.
Molecular consequence: missense variant. On other transcripts: intron variant (1).
Genome position (GRCh38, 1-based): chr4:76,179,602, A>G on the plus strand (T>C on the coding strand, the complement: SCARB2 is on the minus strand). VCF-style: chr4-76179602-A-G. GRCh37 (hg19) VCF-style: chr4-77100755-A-G.
Other names: c.276-3692T>C (NM_001204255.2); short protein forms L176S.
Identifiers: ClinVar variation 1715535 (VCV001715535.5), dbSNP rs2476252291, ClinGen allele CA357326831.